The following is an entry in ClinVar:

ClinVar aggregate classification (germline): Conflicting classifications of pathogenicity. Review status: criteria provided, conflicting classifications (1 of 4 stars). 2 submissions from 2 submitters: Uncertain significance (1); Likely benign (1). Last evaluated 2023-03-23.

Conditions:
Hereditary cancer-predisposing syndrome. Also called: Hereditary Cancer Syndrome; Neoplastic Syndromes, Hereditary; Tumor predisposition; Hereditary neoplastic syndrome. Identifiers: Orphanet 140162, MedGen C0027672, MeSH D009386, MONDO:0015356.

Submissions (2):

University of Washington Department of Laboratory Medicine, University of Washington
Classification: Likely benign for Hereditary cancer-predisposing syndrome. Last evaluated: 2023-03-23. Review status: criteria provided, single submitter. Criteria: Dines et al. (Genet Med. 2020). Collection method: curation. Allele origin: germline.
Comment: Missense variant in a coldspot region where missense variants are very unlikely to be pathogenic (PMID:31911673).

BRCA2 exon 11 coldspot. Reclassification based on statistical prior probability.

Ambry Genetics
Classification: Uncertain significance for Hereditary cancer-predisposing syndrome. Last evaluated: 2017-06-09. Review status: criteria provided, single submitter. Criteria: Ambry Variant Classification Scheme 2023. Collection method: clinical testing. Allele origin: germline.
Comment: The p.E1021Q variant (also known as c.3061G>C), located in coding exon 10 of the BRCA2 gene, results from a G to C substitution at nucleotide position 3061. The glutamic acid at codon 1021 is replaced by glutamine, an amino acid with highly similar properties. This amino acid position is well conserved in available vertebrate species. In addition, the in silico prediction for this alteration is inconclusive. Since supporting evidence is limited at this time, the clinical significance of this alteration remains unclear.

NM_000059.4(BRCA2):c.3061G>C (p.Glu1021Gln)

Gene: BRCA2 (BRCA2 DNA repair associated; plus strand). Cytogenetic location: 13q13.1.
Variant type: single nucleotide variant.
Coding change: c.3061G>C on transcript NM_000059.4 (MANE Select); coding-DNA position 3061, G replaced by C.
Protein change: p.Glu1021Gln; replaces glutamic acid 1021 with glutamine.
Molecular consequence: missense variant.
Genome position (GRCh38, 1-based): chr13:32,337,416, G>C. VCF-style: chr13-32337416-G-C. GRCh37 (hg19) VCF-style: chr13-32911553-G-C.
Other names: short protein forms E1021Q.
Identifiers: ClinVar variation 481040 (VCV000481040.7), dbSNP rs1555283020, ClinGen allele CA387775114.
Genomic context (GRCh38, chr13:32,337,416, plus strand): 5'-TCAAATCACAGTTTTGGAGGTAGCTTCAGAACAGCTTCAAATAAGGAAATCAAGCTCTCT[G>C]AACATAACATTAAGAAGAGCAAAATGTTCTTCAAAGATATTGAAGAACAATATCCTACTA-3'
Protein context (NP_000050.3, residues 1011-1031): TASNKEIKLS[Glu1021Gln]HNIKKSKMFF